The following is an entry in ClinVar:

ClinVar aggregate classification (germline): Likely benign. Review status: criteria provided, multiple submitters, no conflicts (2 of 4 stars). 3 submissions from 3 submitters: Likely benign (3). Last evaluated 2026-05-07.

Conditions:
RP1-related disorder. Also called: RP1-related condition.

gnomAD v4.1: 14 of 1,614,088 alleles (0.00087%); highest among the groups gnomAD compares: African/African-American, 0.016%; no homozygotes.

Submissions (3):

PreventionGenetics, part of Exact Sciences
Classification: Likely benign for RP1-related condition. Last evaluated: 2026-05-07. Review status: criteria provided, single submitter. Criteria: ACMG Guidelines, 2015. Collection method: clinical testing. Allele origin: germline.
Comment: This variant is classified as likely benign based on ACMG/AMP sequence variant interpretation guidelines (Richards et al. 2015 PMID: 25741868, with internal and published modifications).

Labcorp Genetics (formerly Invitae), Labcorp
Classification: Likely benign. Last evaluated: 2025-11-22. Review status: criteria provided, single submitter. Criteria: Invitae Variant Classification Sherloc (09022015). Collection method: clinical testing. Allele origin: germline.

Blueprint Genetics
Classification: Likely benign. Last evaluated: 2022-09-01. Review status: criteria provided, single submitter. Criteria: ACMG Guidelines, 2015. Collection method: clinical testing. Allele origin: germline.

NM_006269.2(RP1):c.1284T>C (p.Ala428=)

Gene: RP1 (RP1 axonemal microtubule associated; plus strand). Cytogenetic location: 8q12.1.
Variant type: single nucleotide variant.
Coding change: c.1284T>C on transcript NM_006269.2 (MANE Select); coding-DNA position 1284, T replaced by C.
Protein change: p.Ala428=; no amino-acid change (alanine 428 retained).
Molecular consequence: synonymous variant. On other transcripts: intron variant (1).
Genome position (GRCh38, 1-based): chr8:54,625,166, T>C. VCF-style: chr8-54625166-T-C. GRCh37 (hg19) VCF-style: chr8-55537726-T-C.
Other names: c.1284T>C (NM_006269.1); c.787+2878T>C (NM_001375654.1).
Identifiers: ClinVar variation 4704402 (VCV004704402.3).